The following is an entry in ClinVar:

ClinVar aggregate classification (germline): Conflicting classifications of pathogenicity. Review status: criteria provided, conflicting classifications (1 of 4 stars). 2 submissions from 2 submitters: Uncertain significance (1); Likely benign (1). Last evaluated 2025-05-13.

Conditions:
Inborn genetic diseases. Identifiers: MedGen C0950123, MeSH D030342.

Allele frequency attached by ClinVar (database versions not stated): TOPMed 0.00001; gnomAD exomes 0.00003 and 0.00008; gnomAD 0.00001 and 0.00003; ExAC 0.00009.
gnomAD v4.1: 56 of 1,613,734 alleles (0.0035%); highest among the groups gnomAD compares: South Asian, 0.054%; no homozygotes.

Submissions (2):

Ambry Genetics
Classification: Likely benign for Inborn genetic diseases. Last evaluated: 2025-05-13. Review status: criteria provided, single submitter. Criteria: Ambry Variant Classification Scheme 2023. Collection method: clinical testing. Allele origin: germline.

Labcorp Genetics (formerly Invitae), Labcorp
Classification: Uncertain significance. Last evaluated: 2021-09-17. Review status: criteria provided, single submitter. Criteria: Invitae Variant Classification Sherloc (09022015). Collection method: clinical testing. Allele origin: germline.
Comment: This sequence change replaces serine with leucine at codon 14 of the NDUFAF2 protein (p.Ser14Leu). The serine residue is weakly conserved and there is a large physicochemical difference between serine and leucine. This variant is present in population databases (rs761787794, ExAC 0.06%). This variant has not been reported in the literature in individuals affected with NDUFAF2-related conditions. Algorithms developed to predict the effect of missense changes on protein structure and function output the following: SIFT: "Tolerated"; PolyPhen-2: "Benign"; Align-GVGD: "Class C0". The leucine amino acid residue is found in multiple mammalian species, which suggests that this missense change does not adversely affect protein function. In summary, the available evidence is currently insufficient to determine the role of this variant in disease. Therefore, it has been classified as a Variant of Uncertain Significance.

NM_174889.5(NDUFAF2):c.41C>T (p.Ser14Leu)

Gene: NDUFAF2 (NADH:ubiquinone oxidoreductase complex assembly factor 2; plus strand). Cytogenetic location: 5q12.1.
Variant type: single nucleotide variant.
Coding change: c.41C>T on transcript NM_174889.5 (MANE Select); coding-DNA position 41, C replaced by T.
Protein change: p.Ser14Leu; replaces serine 14 with leucine.
Molecular consequence: missense variant.
Genome position (GRCh38, 1-based): chr5:60,945,296, C>T. VCF-style: chr5-60945296-C-T. GRCh37 (hg19) VCF-style: chr5-60241123-C-T.
Other names: c.41C>T (NM_174889.4); short protein forms S14L.
Identifiers: ClinVar variation 1472784 (VCV001472784.4), dbSNP rs761787794, ClinGen allele CA3278054.